The following is an entry in ClinVar:

NM_006924.5(SRSF1):c.552+1G>T

Genes: SRSF1 (serine and arginine rich splicing factor 1; minus strand), LOC126862603 (BRD4-independent group 4 enhancer GRCh37_chr17:56082218-56083417; plus strand). Cytogenetic location: 17q22.
Variant type: single nucleotide variant.
Coding change: c.552+1G>T on transcript NM_006924.5 (MANE Select); the canonical splice donor site of the intron after coding-DNA position 552, G replaced by T.
Molecular consequence: splice donor variant. On other transcripts: missense variant (1), non-coding transcript variant (2).
Genome position (GRCh38, 1-based): chr17:58,005,800, C>A on the plus strand (G>T on the coding strand, the complement: SRSF1 is on the minus strand). VCF-style: chr17-58005800-C-A. GRCh37 (hg19) VCF-style: chr17-56083161-C-A.
Other names: c.553G>T, p.Val185Leu (NM_001078166.2); short protein forms V185L.
Identifiers: ClinVar variation 3449633 (VCV003449633.1).

ClinVar aggregate classification (germline): Likely pathogenic (1 of 4 stars; one submission).

Conditions:
Inborn genetic diseases. Identifiers: MedGen C0950123, MeSH D030342.

Submission:

Ambry Genetics
Classification: Likely pathogenic for Inborn genetic diseases. Last evaluated: 2024-09-19. Review status: criteria provided, single submitter. Criteria: Ambry Variant Classification Scheme 2023. Collection method: clinical testing. Allele origin: germline.
Comment: The c.552+1G>T intronic variant results from a G to T substitution one nucleotide after coding exon 3 of the SRSF1 gene. This alteration occurs at the 3' terminus of the SRSF1 gene, is not expected to trigger nonsense-mediated mRNA decay, and only impacts the last 25% of the protein. The exact functional effect of this alteration is unknown; however, the impacted region is critical for protein function and a significant portion of the protein is affected (Ambry internal data). This variant was not reported in population-based cohorts in the Genome Aggregation Database (gnomAD). This nucleotide position is highly conserved in available vertebrate species. In silico splice site analysis predicts that this alteration will weaken the native splice donor site and may result in the strengthening of a novel splice donor site. Based on the available evidence, this alteration is classified as likely pathogenic.